The following is an entry in ClinVar:

NM_003901.4(SGPL1):c.1121A>G (p.Tyr374Cys)

Gene: SGPL1 (sphingosine-1-phosphate lyase 1; plus strand). Cytogenetic location: 10q22.1.
Variant type: single nucleotide variant.
Coding change: c.1121A>G on transcript NM_003901.4 (MANE Select); coding-DNA position 1121, A replaced by G.
Protein change: p.Tyr374Cys; replaces tyrosine 374 with cysteine.
Molecular consequence: missense variant.
Genome position (GRCh38, 1-based): chr10:70,873,412, A>G. VCF-style: chr10-70873412-A-G. GRCh37 (hg19) VCF-style: chr10-72633169-A-G.
Other names: short protein forms Y374C.
Identifiers: ClinVar variation 1525489 (VCV001525489.26), dbSNP rs139751906, ClinGen allele CA5541383.

ClinVar aggregate classification (germline): Uncertain significance. Review status: criteria provided, multiple submitters, no conflicts (2 of 4 stars). 2 submissions from 2 submitters: Uncertain significance (2). Last evaluated 2023-10-01.

Allele frequency attached by ClinVar (database versions not stated): TOPMed 0.00006; gnomAD exomes 0.00009 and 0.00016; gnomAD 0.00012 and 0.00013; ExAC 0.00015; ESP Exome Variant Server 0.00031.
gnomAD v4.1: 154 of 1,614,152 alleles (0.0095%); highest among the groups gnomAD compares: Non-Finnish European, 0.0086%; no homozygotes.

Submissions (2):

CeGaT Center for Human Genetics Tuebingen
Classification: Uncertain significance. Last evaluated: 2023-10-01. Review status: criteria provided, single submitter. Criteria: CeGaT Center For Human Genetics Tuebingen Variant Classification Criteria Version 2. Collection method: clinical testing. Allele origin: germline. Affected: yes. Observed: 1 variant allele.
Comment: SGPL1: PM2, BP4

Labcorp Genetics (formerly Invitae), Labcorp
Classification: Uncertain significance. Last evaluated: 2022-02-25. Review status: criteria provided, single submitter. Criteria: Invitae Variant Classification Sherloc (09022015). Collection method: clinical testing. Allele origin: germline.
Comment: This sequence change replaces tyrosine, which is neutral and polar, with cysteine, which is neutral and slightly polar, at codon 374 of the SGPL1 protein (p.Tyr374Cys). This variant is present in population databases (rs139751906, gnomAD 0.08%). This variant has not been reported in the literature in individuals affected with SGPL1-related conditions. Algorithms developed to predict the effect of missense changes on protein structure and function are either unavailable or do not agree on the potential impact of this missense change (SIFT: "Tolerated"; PolyPhen-2: "Possibly Damaging"; Align-GVGD: "Class C15"). Algorithms developed to predict the effect of sequence changes on RNA splicing suggest that this variant may create or strengthen a splice site. In summary, the available evidence is currently insufficient to determine the role of this variant in disease. Therefore, it has been classified as a Variant of Uncertain Significance.